The following is an entry in ClinVar:

NM_004333.6(BRAF):c.82G>A (p.Gly28Ser)

Gene: BRAF (B-Raf proto-oncogene, serine/threonine kinase; minus strand). Cytogenetic location: 7q34.
Variant type: single nucleotide variant.
Coding change: c.82G>A on transcript NM_004333.6 (MANE Select); coding-DNA position 82, G replaced by A.
Protein change: p.Gly28Ser; replaces glycine 28 with serine.
Molecular consequence: missense variant.
Genome position (GRCh38, 1-based): chr7:140,924,622, C>T on the plus strand (G>A on the coding strand, the complement: BRAF is on the minus strand). VCF-style: chr7-140924622-C-T. GRCh37 (hg19) VCF-style: chr7-140624422-C-T.
Other names: c.82G>A, p.Gly28Ser (NM_001354609.2, NM_001374244.1, NM_001374258.1 and 7 more transcripts); short protein forms G28S.
Identifiers: ClinVar variation 1677230 (VCV001677230.1), dbSNP rs1437317949, ClinGen allele CA369590133.

ClinVar aggregate classification (germline): Uncertain significance (1 of 4 stars; one submission).

Allele frequency attached by ClinVar (database versions not stated): gnomAD 0.00001.
gnomAD v4.1: 2 of 1,524,898 alleles (0.00013%); highest among the groups gnomAD compares: East Asian, 0.0025%; no homozygotes.

Submission:

Women's Health and Genetics/Laboratory Corporation of America, LabCorp
Classification: Uncertain significance. Last evaluated: 2022-03-31. Review status: criteria provided, single submitter. Criteria: LabCorp Variant Classification Summary - May 2015. Collection method: clinical testing. Allele origin: germline.
Comment: Variant summary: BRAF c.82G>A (p.Gly28Ser) results in a non-conservative amino acid change in the encoded protein sequence. Three of five in-silico tools predict a benign effect of the variant on protein function. The variant allele was found at a frequency of 6.7e-06 in 149822 control chromosomes (gnomAD v3.1, genomes dataset). The available data on variant occurrences in the general population are insufficient to allow any conclusion about variant significance. To our knowledge, no occurrence of c.82G>A in individuals affected with Cardiofaciocutaneous Syndrome and no experimental evidence demonstrating its impact on protein function have been reported. No clinical diagnostic laboratories have submitted clinical-significance assessments for this variant to ClinVar after 2014. Based on the evidence outlined above, the variant was classified as uncertain significance.

Literature cited by the submitters: PubMed 29221145.